The following is an entry in ClinVar:

NM_005732.4(RAD50):c.1534G>T (p.Ala512Ser)

Gene: RAD50 (RAD50 double strand break repair protein; plus strand). Cytogenetic location: 5q31.1.
Variant type: single nucleotide variant.
Coding change: c.1534G>T on transcript NM_005732.4 (MANE Select); coding-DNA position 1534, G replaced by T.
Protein change: p.Ala512Ser; replaces alanine 512 with serine.
Molecular consequence: missense variant.
Genome position (GRCh38, 1-based): chr5:132,591,305, G>T. VCF-style: chr5-132591305-G-T. GRCh37 (hg19) VCF-style: chr5-131926997-G-T.
Other names: p.A512S:GCA>TCA; short protein forms A512S.
Identifiers: ClinVar variation 127998 (VCV000127998.35), dbSNP rs147366706, ClinGen allele CA331861.

ClinVar aggregate classification (germline): Conflicting classifications of pathogenicity. Review status: criteria provided, conflicting classifications (1 of 4 stars). 13 submissions from 13 submitters: Uncertain significance (5); Likely benign (6). 2 of the submissions do not count toward it. Last evaluated 2026-08-06.

Conditions:
RAD50-related disorder. Also called: RAD50-related condition.
Hereditary cancer-predisposing syndrome. Also called: Neoplastic Syndromes, Hereditary; Hereditary Cancer Syndrome; Hereditary neoplastic syndrome; Tumor predisposition. Identifiers: Orphanet 140162, MedGen C0027672, MeSH D009386, MONDO:0015356.
Nijmegen breakage syndrome-like disorder (NBSLD). Also called: MICROCEPHALY AND SPONTANEOUS CHROMOSOME INSTABILITY WITHOUT IMMUNODEFICIENCY; NBS-LIKE DISORDER; RAD50 DEFICIENCY. Identifiers: Orphanet 240760, MedGen C2751318, MONDO:0013118, OMIM 613078.

Allele frequency attached by ClinVar (database versions not stated): 1000 Genomes Project 0.00060; TOPMed 0.00083; gnomAD exomes 0.00020 and 0.00006; gnomAD 0.00079 and 0.00070; ESP Exome Variant Server 0.00123; ExAC 0.00022; 1000 Genomes Project 30x 0.00047.
gnomAD v4.1: 205 of 1,613,482 alleles (0.013%); highest among the groups gnomAD compares: African/African-American, 0.23%; no homozygotes.

Submissions (13):

OLLIN Analises Genomicas, OLLIN
Classification: Uncertain significance for Nijmegen breakage syndrome-like disorder. Last evaluated: 2026-08-06. Review status: criteria provided, single submitter. Criteria: ACMG Guidelines 2015 PMID 25741868. Collection method: clinical testing. Allele origin: germline. Inheritance: Autosomal recessive inheritance.
Comment: This missense variant, located in exon 10 (of 25), has been reported in ClinVar (accession VCV001494197.8) and in gnomAD with an allele frequency of 0.013%. However, to our knowledge, it has not been reported in the scientific literature. In silico analysis predicts that this variant has a tolerated effect. According to the currently available evidence, this variant has been classified as uncertain significance (BP4_M).

Labcorp Genetics (formerly Invitae), Labcorp
Classification: Likely benign for Hereditary cancer-predisposing syndrome. Last evaluated: 2026-01-26. Review status: criteria provided, single submitter. Criteria: Invitae Variant Classification Sherloc (09022015). Collection method: clinical testing. Allele origin: germline.

Blueprint Genetics
Classification: Likely benign. Last evaluated: 2024-05-08. Review status: criteria provided, single submitter. Criteria: ACMG Guidelines, 2015. Collection method: clinical testing. Allele origin: germline.

GeneDx
Classification: Uncertain significance. Last evaluated: 2023-05-08. Review status: criteria provided, single submitter. Criteria: GeneDx Variant Classification Process June 2021. Collection method: clinical testing. Allele origin: germline. Affected: yes.
Comment: In silico analysis supports that this missense variant does not alter protein structure/function; Has not been previously published as pathogenic or benign to our knowledge; Variants in candidate genes are classified as variants of uncertain significance in accordance with ACMG guidelines (Richards et al., 2015); This variant is associated with the following publications: (PMID: 23555315, 26635394, 24123366, 31133068)

Quest Diagnostics Nichols Institute San Juan Capistrano
Classification: Likely benign. Last evaluated: 2023-01-31. Review status: criteria provided, single submitter. Criteria: Quest Diagnostics criteria. Collection method: clinical testing. Allele origin: unknown.

Women's Health and Genetics/Laboratory Corporation of America, LabCorp
Classification: Likely benign. Last evaluated: 2021-11-30. Review status: criteria provided, single submitter. Criteria: LabCorp Variant Classification Summary - May 2015. Collection method: clinical testing. Allele origin: germline.

Sema4
Classification: Likely benign for Nijmegen breakage syndrome-like disorder. Last evaluated: 2021-04-23. Review status: criteria provided, single submitter. Criteria: Sema4 Curation Guidelines. Collection method: curation. Allele origin: germline.

Ambry Genetics
Classification: Likely benign for Hereditary cancer-predisposing syndrome. Last evaluated: 2018-09-25. Review status: criteria provided, single submitter. Criteria: Ambry Variant Classification Scheme 2023. Collection method: clinical testing. Allele origin: germline.

Eurofins Ntd Llc (ga)
Classification: Uncertain significance. Last evaluated: 2018-06-05. Review status: criteria provided, single submitter. Criteria: EGL ClinVar v180209 classification definitions. Collection method: clinical testing. Allele origin: germline. Observed: 1 variant allele, 1 heterozygote.

Genetic Services Laboratory, University of Chicago
Classification: Uncertain significance. Last evaluated: 2016-04-15. Review status: criteria provided, single submitter. Criteria: ACMG Guidelines, 2015. Collection method: clinical testing. Allele origin: germline. Affected: no.

Vantari Genetics
Classification: Uncertain significance for Hereditary cancer-predisposing syndrome. Last evaluated: 2015-12-07. Review status: criteria provided, single submitter. Criteria: ACMG Guidelines, 2015. Collection method: clinical testing. Allele origin: germline.

PreventionGenetics, part of Exact Sciences
Classification: Likely benign for RAD50-related condition. Last evaluated: 2023-01-26. Review status: no assertion criteria provided. Collection method: clinical testing. Allele origin: germline. Not counted in ClinVar's aggregate classification.
Comment: This variant is classified as likely benign based on ACMG/AMP sequence variant interpretation guidelines (Richards et al. 2015 PMID: 25741868, with internal and published modifications).

Counsyl
Classification: Uncertain significance for Nijmegen breakage syndrome-like disorder. Last evaluated: 2016-07-09. Review status: no assertion criteria provided. Collection method: clinical testing. Allele origin: unknown. Not counted in ClinVar's aggregate classification.

Literature cited by the submitters: PubMed 36315513 (cited by Quest Diagnostics Nichols Institute San Juan Capistrano); PubMed 23555315 (cited by Quest Diagnostics Nichols Institute San Juan Capistrano and Counsyl); PubMed 24123366 (cited by Quest Diagnostics Nichols Institute San Juan Capistrano and Counsyl); PubMed 26635394 (cited by Counsyl).